The following is an entry in ClinVar:

NM_006904.7(PRKDC):c.10612G>A (p.Glu3538Lys)

Gene: PRKDC (protein kinase, DNA-activated, catalytic subunit; minus strand). Cytogenetic location: 8q11.21.
Variant type: single nucleotide variant.
Coding change: c.10612G>A on transcript NM_006904.7 (MANE Select); coding-DNA position 10612, G replaced by A.
Protein change: p.Glu3538Lys; replaces glutamic acid 3538 with lysine.
Molecular consequence: missense variant.
Genome position (GRCh38, 1-based): chr8:47,794,348, C>T on the plus strand (G>A on the coding strand, the complement: PRKDC is on the minus strand). VCF-style: chr8-47794348-C-T. GRCh37 (hg19) VCF-style: chr8-48706909-C-T.
Other names: c.10612G>A, p.Glu3538Lys (NM_001081640.2); short protein forms E3538K.
Identifiers: ClinVar variation 2069609 (VCV002069609.4), dbSNP rs1259477804, ClinGen allele CA371133735.

ClinVar aggregate classification (germline): Uncertain significance (1 of 4 stars; one submission).

Conditions:
Severe combined immunodeficiency due to DNA-PKcs deficiency. Also called: IMMUNODEFICIENCY 26 WITH NEUROLOGIC ABNORMALITIES; Immunodeficiency 26 with or without neurologic abnormalities. Identifiers: Orphanet 317425, MedGen C4014833, MONDO:0014423, OMIM 615966.

Allele frequency attached by ClinVar (database versions not stated): gnomAD exomes below 0.00001.
gnomAD v4.1: 3 of 1,613,640 alleles (0.00019%); highest among the groups gnomAD compares: Non-Finnish European, 0.00025%; no homozygotes.

Submission:

Labcorp Genetics (formerly Invitae), Labcorp
Classification: Uncertain significance for Severe combined immunodeficiency due to DNA-PKcs deficiency. Last evaluated: 2022-02-03. Review status: criteria provided, single submitter. Criteria: Invitae Variant Classification Sherloc (09022015). Collection method: clinical testing. Allele origin: germline.
Comment: In summary, the available evidence is currently insufficient to determine the role of this variant in disease. Therefore, it has been classified as a Variant of Uncertain Significance. Experimental studies and prediction algorithms are not available or were not evaluated, and the functional significance of this variant is currently unknown. This variant has not been reported in the literature in individuals affected with PRKDC-related conditions. This variant is present in population databases (no rsID available, gnomAD 0.0009%). This sequence change replaces glutamic acid, which is acidic and polar, with lysine, which is basic and polar, at codon 3538 of the PRKDC protein (p.Glu3538Lys).